The following is an entry in ClinVar:

ClinVar aggregate classification (germline): Likely benign (0 of 4 stars; one submission).

Conditions:
APC-related disorder. Also called: APC-related condition.

Allele frequency attached by ClinVar (database versions not stated): TOPMed below 0.00001; gnomAD exomes 0.00001.
gnomAD v4.1: 5 of 985,754 alleles (0.00051%); highest among the groups gnomAD compares: Non-Finnish European, 0.0006%; no homozygotes.

Submission:

PreventionGenetics, part of Exact Sciences
Classification: Likely benign for APC-related condition. Last evaluated: 2019-11-26. Review status: no assertion criteria provided. Collection method: clinical testing. Allele origin: germline.
Comment: This variant is classified as likely benign based on ACMG/AMP sequence variant interpretation guidelines (Richards et al. 2015 PMID: 25741868, with internal and published modifications).

NM_000038.6(APC):c.-19+475G>C

Gene: APC (APC regulator of WNT signaling pathway; plus strand). Cytogenetic location: 5q22.2.
Variant type: single nucleotide variant.
Coding change: c.-19+475G>C on transcript NM_000038.6 (MANE Select); 475 bases into the intron after 19 bases upstream of the start codon, G replaced by C.
Molecular consequence: intron variant. On other transcripts: 5 prime UTR variant (7).
Genome position (GRCh38, 1-based): chr5:112,738,400, G>C. VCF-style: chr5-112738400-G-C. GRCh37 (hg19) VCF-style: chr5-112074097-G-C.
Other names: c.-79G>C (NM_001127510.3, NM_001407449.1, NM_001407455.1 and 1 more transcripts); c.-1G>C (NM_001354898.2, NM_001354904.2, NM_001407451.1); c.-1053-16473G>C (NM_001407470.1, NM_001407472.1); c.-18-16473G>C (NM_001407447.1, NM_001354895.2, NM_001407456.1 and 7 more transcripts); c.166-27926G>C (NM_001407446.1, NM_001354897.2, NM_001354902.2 and 1 more transcripts); c.-42-27926G>C (NM_001407453.1); c.-1054+475G>C (NM_001354906.2, NM_001407471.1); c.-19+475G>C (NM_001354896.2, NM_001407454.1, NM_001354903.2 and 2 more transcripts); and 1 more.
Identifiers: ClinVar variation 3048715 (VCV003048715.2), dbSNP rs1752579388, ClinGen allele CA1573459365.